The following is an entry in ClinVar:

ClinVar aggregate classification (germline): Uncertain significance (1 of 4 stars; one submission).

Submission:

GeneDx
Classification: Uncertain significance. Last evaluated: 2025-07-10. Review status: criteria provided, single submitter. Criteria: GeneDx Variant Classification Process June 2021. Collection method: clinical testing. Allele origin: germline. Affected: yes.
Comment: Not observed at significant frequency in large population cohorts (gnomAD); In silico analysis supports that this missense variant has a deleterious effect on protein structure/function; Has not been previously published as pathogenic or benign to our knowledge

NM_020928.2(ZSWIM6):c.3461A>T (p.His1154Leu)

Gene: ZSWIM6 (zinc finger SWIM-type containing 6; plus strand). Cytogenetic location: 5q12.1.
Variant type: single nucleotide variant.
Coding change: c.3461A>T on transcript NM_020928.2 (MANE Select); coding-DNA position 3461, A replaced by T.
Protein change: p.His1154Leu; replaces histidine 1154 with leucine.
Molecular consequence: missense variant.
Genome position (GRCh38, 1-based): chr5:61,544,130, A>T. VCF-style: chr5-61544130-A-T. GRCh37 (hg19) VCF-style: chr5-60839957-A-T.
Other names: short protein forms H1154L.
Identifiers: ClinVar variation 4685405 (VCV004685405.1).